The following is an entry in ClinVar:

NM_000059.4(BRCA2):c.4146A>T (p.Glu1382Asp)

Gene: BRCA2 (BRCA2 DNA repair associated; plus strand). Cytogenetic location: 13q13.1.
Variant type: single nucleotide variant.
Coding change: c.4146A>T on transcript NM_000059.4 (MANE Select); coding-DNA position 4146, A replaced by T.
Protein change: p.Glu1382Asp; replaces glutamic acid 1382 with aspartic acid.
Molecular consequence: missense variant. On other transcripts: non-coding transcript variant (1), intron variant (2).
Genome position (GRCh38, 1-based): chr13:32,338,501, A>T. VCF-style: chr13-32338501-A-T. GRCh37 (hg19) VCF-style: chr13-32912638-A-T.
Other names: c.4146A>T, p.Glu1382Asp (NM_001406719.1, NM_001406720.1, NM_001432077.1); c.1909+5114A>T (NM_001406721.1); c.425-6057A>T (NM_001406722.1); short protein forms E1382D.
Identifiers: ClinVar variation 3706391 (VCV003706391.3).
Genomic context (GRCh38, chr13:32,338,501, plus strand): 5'-CAACATATGTCTTAAATTATCTGGCCAGTTTATGAAGGAGGGAAACACTCAGATTAAAGA[A>T]GATTTGTCAGATTTAACTTTTTTGGAAGTTGCGAAAGCTCAAGAAGCATGTCATGGTAAT-3'
Protein context (NP_000050.3, residues 1372-1392): FMKEGNTQIK[Glu1382Asp]DLSDLTFLEV

ClinVar aggregate classification (germline): Uncertain significance. Review status: criteria provided, multiple submitters, no conflicts (2 of 4 stars). 2 submissions from 2 submitters: Uncertain significance (2). Last evaluated 2026-04-23.

Conditions:
Hereditary cancer-predisposing syndrome. Also called: Hereditary Cancer Syndrome; Hereditary neoplastic syndrome; Neoplastic Syndromes, Hereditary; Tumor predisposition. Identifiers: Orphanet 140162, MedGen C0027672, MeSH D009386, MONDO:0015356.
Hereditary breast ovarian cancer syndrome. Also called: BRCA1- and BRCA2-Associated Hereditary Breast and Ovarian Cancer; Hereditary breast and ovarian cancer syndrome; Hereditary breast and ovarian cancer syndrome (HBOC); Hereditary breast and ovarian cancer; Breast and ovarian cancer; Hereditary breast and/or ovarian cancer syndrome. Identifiers: Orphanet 145, MedGen C0677776, MeSH D061325, MONDO:0003582. Disease mechanism: loss of function.

Submissions (2):

Ambry Genetics
Classification: Uncertain significance for Hereditary cancer-predisposing syndrome. Last evaluated: 2026-04-23. Review status: criteria provided, single submitter. Criteria: Ambry Variant Classification Scheme 2023. Collection method: clinical testing. Allele origin: germline.
Comment: The p.E1382D variant (also known as c.4146A>T), located in coding exon 10 of the BRCA2 gene, results from an A to T substitution at nucleotide position 4146. The glutamic acid at codon 1382 is replaced by aspartic acid, an amino acid with highly similar properties. This amino acid position is well conserved in available vertebrate species. In addition, this alteration is predicted to be tolerated by in silico analysis. Based on the available evidence, the clinical significance of this variant remains unclear.

Labcorp Genetics (formerly Invitae), Labcorp
Classification: Uncertain significance for Hereditary breast ovarian cancer syndrome. Last evaluated: 2024-09-20. Review status: criteria provided, single submitter. Criteria: Invitae Variant Classification Sherloc (09022015). Collection method: clinical testing. Allele origin: germline.
Comment: This sequence change replaces glutamic acid, which is acidic and polar, with aspartic acid, which is acidic and polar, at codon 1382 of the BRCA2 protein (p.Glu1382Asp). This variant is not present in population databases (gnomAD no frequency). This variant has not been reported in the literature in individuals affected with BRCA2-related conditions. Invitae Evidence Modeling of protein sequence and biophysical properties (such as structural, functional, and spatial information, amino acid conservation, physicochemical variation, residue mobility, and thermodynamic stability) indicates that this missense variant is not expected to disrupt BRCA2 protein function with a negative predictive value of 95%. In summary, the available evidence is currently insufficient to determine the role of this variant in disease. Therefore, it has been classified as a Variant of Uncertain Significance.